The following is an entry in ClinVar:

ClinVar aggregate classification (germline): Uncertain significance (1 of 4 stars; one submission).

Conditions:
Centromeric instability of chromosomes 1,9 and 16 and immunodeficiency (ICF1). Also called: CENTROMERIC INSTABILITY, IMMUNODEFICIENCY SYNDROME; Immunodeficiency-centromeric instability-facial anomalies; IMMUNE DEFICIENCY, VARIABLE, WITH CENTROMERIC INSTABILITY OF CHROMOSOMES 1, 9, AND 16; IMMUNODEFICIENCY SYNDROME, VARIABLE. Identifiers: Orphanet 2268, MedGen C0398788, MONDO:0000133.

Submission:

Labcorp Genetics (formerly Invitae), Labcorp
Classification: Uncertain significance for Centromeric instability of chromosomes 1,9 and 16 and immunodeficiency. Last evaluated: 2019-12-13. Review status: criteria provided, single submitter. Criteria: Invitae Variant Classification Sherloc (09022015). Collection method: clinical testing. Allele origin: germline.
Comment: This sequence change replaces lysine with arginine at codon 623 of the DNMT3B protein (p.Lys623Arg). The lysine residue is highly conserved and there is a small physicochemical difference between lysine and arginine. This variant is not present in population databases (ExAC no frequency). This variant has not been reported in the literature in individuals with DNMT3B-related conditions. Algorithms developed to predict the effect of missense changes on protein structure and function (SIFT, PolyPhen-2, Align-GVGD) all suggest that this variant is likely to be tolerated, but these predictions have not been confirmed by published functional studies and their clinical significance is uncertain. In summary, the available evidence is currently insufficient to determine the role of this variant in disease. Therefore, it has been classified as a Variant of Uncertain Significance.

NM_006892.4(DNMT3B):c.1868A>G (p.Lys623Arg)

Gene: DNMT3B (DNA methyltransferase 3 beta; plus strand). Cytogenetic location: 20q11.21.
Variant type: single nucleotide variant.
Coding change: c.1868A>G on transcript NM_006892.4 (MANE Select); coding-DNA position 1868, A replaced by G.
Protein change: p.Lys623Arg; replaces lysine 623 with arginine.
Molecular consequence: missense variant.
Genome position (GRCh38, 1-based): chr20:32,800,261, A>G. VCF-style: chr20-32800261-A-G. GRCh37 (hg19) VCF-style: chr20-31388067-A-G.
Other names: c.1682A>G, p.Lys561Arg (NM_001207055.2); c.1580A>G, p.Lys527Arg (NM_001207056.2); c.1808A>G, p.Lys603Arg (NM_175848.2, NM_175849.2); c.1844A>G, p.Lys615Arg (NM_175850.3); short protein forms K527R, K561R, K603R, K615R, K623R.
Identifiers: ClinVar variation 845008 (VCV000845008.1), dbSNP rs1048134602, ClinGen allele CA408588489.
Genomic context (GRCh38, chr20:32,800,261, plus strand): 5'-CTTCTGAAGTGTGTGAGGAGTCCATTGCTGTTGGAACCGTGAAGCACGAGGGGAATATCA[A>G]ATACGTGAACGACGTGAGGAACATCACAAAGAAAAATGTGAGGGCAGTCTGTACCTTGCG-3'
Protein context (NP_008823.1, residues 613-633): VGTVKHEGNI[Lys623Arg]YVNDVRNITK